The following is an entry in ClinVar:

NM_003482.4(KMT2D):c.12980G>A (p.Ser4327Asn)

Gene: KMT2D (lysine methyltransferase 2D; minus strand). Cytogenetic location: 12q13.12.
Variant type: single nucleotide variant.
Coding change: c.12980G>A on transcript NM_003482.4 (MANE Select); coding-DNA position 12980, G replaced by A.
Protein change: p.Ser4327Asn; replaces serine 4327 with asparagine.
Molecular consequence: missense variant.
Genome position (GRCh38, 1-based): chr12:49,031,725, C>T on the plus strand (G>A on the coding strand, the complement: KMT2D is on the minus strand). VCF-style: chr12-49031725-C-T. GRCh37 (hg19) VCF-style: chr12-49425508-C-T.
Other names: short protein forms S4327N.
Identifiers: ClinVar variation 134719 (VCV000134719.8), dbSNP rs587778479, ClinGen allele CA160609.

ClinVar aggregate classification (germline): Benign. Review status: criteria provided, single submitter (1 of 4 stars). 2 submissions from 2 submitters: Benign (1). 1 of the submissions does not count toward it. Last evaluated 2025-12-16.

Conditions:
Kabuki syndrome. Also called: NIIKAWA-KUROKI SYNDROME; Kabuki make-up syndrome. Identifiers: Orphanet 2322, MedGen C0796004, MONDO:0016512.

Allele frequency attached by ClinVar (database versions not stated): gnomAD exomes 0.00001 and 0.00006; TOPMed 0.00005.
gnomAD v4.1: 94 of 1,612,832 alleles (0.0058%); highest among the groups gnomAD compares: Non-Finnish European, 0.0078%; no homozygotes.

Submissions (2):

Labcorp Genetics (formerly Invitae), Labcorp
Classification: Benign for Kabuki syndrome. Last evaluated: 2025-12-16. Review status: criteria provided, single submitter. Criteria: Invitae Variant Classification Sherloc (09022015). Collection method: clinical testing. Allele origin: germline.

ITMI
No classification provided. Condition: AllHighlyPenetrant. Last evaluated: 2013-09-19. Review status: no classification provided. Collection method: reference population. Allele origin: germline. Not counted in ClinVar's aggregate classification.
Comment: Please see associated publication for description of ethnicities

Literature cited by the submitters: PubMed 24728327 (cited by ITMI).